The following is an entry in ClinVar:

ClinVar aggregate classification (germline): Conflicting classifications of pathogenicity. Review status: criteria provided, conflicting classifications (1 of 4 stars). 7 submissions from 6 submitters: Uncertain significance (1); Benign (3); Likely benign (2). 1 of the submissions does not count toward it. Last evaluated 2026-01-28.

Conditions:
CDH23-related disorder. Also called: CDH23-related condition; CDH23-related disorders.
Autosomal recessive nonsyndromic hearing loss 12. Also called: DEAFNESS, AUTOSOMAL RECESSIVE 12. Identifiers: Orphanet 90636, MedGen C1832394, MONDO:0011067, OMIM 601386.
Usher syndrome type 1D (USH1D). Also called: USHER SYNDROME, TYPE ID. Identifiers: Orphanet 231169, Orphanet 886, MedGen C1832845, MONDO:0010984, OMIM 601067.

Allele frequency attached by ClinVar (database versions not stated): TOPMed 0.00070; gnomAD 0.00076 and 0.00058; 1000 Genomes Project 0.00160; ESP Exome Variant Server 0.00016; 1000 Genomes Project 30x 0.00125; gnomAD exomes 0.00157; ExAC 0.00224.
gnomAD v4.1: 1,388 of 1,606,092 alleles (0.086%); highest among the groups gnomAD compares: East Asian, 1.5%; 6 homozygotes.

Submissions (7):

Labcorp Genetics (formerly Invitae), Labcorp
Classification: Benign. Last evaluated: 2026-01-28. Review status: criteria provided, single submitter. Criteria: Invitae Variant Classification Sherloc (09022015). Collection method: clinical testing. Allele origin: germline.

Blueprint Genetics
Classification: Likely benign. Last evaluated: 2024-10-28. Review status: criteria provided, single submitter. Criteria: ACMG Guidelines, 2015. Collection method: clinical testing. Allele origin: germline.

GeneDx
Classification: Benign. Last evaluated: 2019-12-05. Review status: criteria provided, single submitter. Criteria: GeneDx Variant Classification Process June 2021. Collection method: clinical testing. Allele origin: germline. Affected: yes.
Comment: This variant is associated with the following publications: (PMID: 17850630)

Illumina Laboratory Services, Illumina
Classification: Uncertain significance for Autosomal recessive nonsyndromic hearing loss 12. Last evaluated: 2017-04-27. Review status: criteria provided, single submitter. Criteria: ICSL Variant Classification Criteria 13 December 2019. Collection method: clinical testing. Allele origin: germline.
Comment: This variant was observed as part of a predisposition screen in an ostensibly healthy population. A literature search was performed for the gene, cDNA change, and amino acid change (where applicable). Publications were found based on this search. However, the evidence from the literature, in combination with allele frequency data from public databases where available, was not sufficient to rule this variant in or out of causing disease. Therefore, this variant is classified as a variant of unknown significance.

Illumina Laboratory Services, Illumina
Classification: Benign for Usher syndrome type 1D. Last evaluated: 2017-04-27. Review status: criteria provided, single submitter. Criteria: ICSL Variant Classification Criteria 13 December 2019. Collection method: clinical testing. Allele origin: germline.
Comment: This variant was observed as part of a predisposition screen in an ostensibly healthy population. A literature search was performed for the gene, cDNA change, and amino acid change (where applicable). No publications were found based on this search. Allele frequency data from public databases was too high to be consistent with this variant causing disease. Therefore, this variant is classified as benign.

Laboratory for Molecular Medicine, Mass General Brigham Personalized Medicine
Classification: Likely benign. Last evaluated: 2014-09-12. Review status: criteria provided, single submitter. Criteria: LMM Criteria. Collection method: clinical testing. Allele origin: germline. Observed: 1 variant allele.
Comment: p.Thr1401Thr in exon 33 of CDH23: This variant is not expected to have clinical significance because it does not alter an amino acid residue, is not located wit hin the splice consensus sequence, and has been identified in 2/6750 European Am erican chromosomes from a broad population by the NHLBI Exome Sequencing Project (dbSNP rs202166096).

PreventionGenetics, part of Exact Sciences
Classification: Benign for CDH23-related condition. Last evaluated: 2019-11-11. Review status: no assertion criteria provided. Collection method: clinical testing. Allele origin: germline. Not counted in ClinVar's aggregate classification.
Comment: This variant is classified as benign based on ACMG/AMP sequence variant interpretation guidelines (Richards et al. 2015 PMID: 25741868, with internal and published modifications).

Literature cited by the submitters: PubMed 17850630 (cited by Illumina Laboratory Services, Illumina).

NM_022124.6(CDH23):c.4203C>T (p.Thr1401=)

Genes: C10orf105 (chromosome 10 open reading frame 105; minus strand), CDH23 (cadherin related 23; plus strand). Cytogenetic location: 10q22.1.
Variant type: single nucleotide variant.
Coding change: c.4203C>T on transcript NM_022124.6 (MANE Select); coding-DNA position 4203, C replaced by T.
Protein change: p.Thr1401=; no amino-acid change (threonine 1401 retained).
Molecular consequence: synonymous variant. On other transcripts: intron variant (1).
Genome position (GRCh38, 1-based): chr10:71,734,338, C>T. VCF-style: chr10-71734338-C-T. GRCh37 (hg19) VCF-style: chr10-73494095-C-T.
Other names: c.-6+3390G>A (NM_001168390.2).
Identifiers: ClinVar variation 178602 (VCV000178602.24), dbSNP rs202166096, ClinGen allele CA182636.